The following is an entry in ClinVar:

NM_130797.4(DPP6):c.382AAG[2] (p.Lys130del)

Gene: DPP6 (dipeptidyl peptidase like 6; plus strand). Cytogenetic location: 7q36.2.
Variant type: Microsatellite.
Coding change: c.382AAG[2] on transcript NM_130797.4 (MANE Select); two copies in a row of the 3-base unit AAG starting at c.382; the reference has three copies in a row; one copy, 3 bases deleted.
Protein change: p.Lys130del; deletes lysine 130.
Molecular consequence: inframe deletion. On other transcripts: non-coding transcript variant (2).
Genome position (GRCh38, 1-based): chr7:154,474,968-154,474,970, AAG deleted; deleting any 3 consecutive bases within chr7:154,474,962-154,474,970 gives the same sequence; the position shown is the placement nearest the transcript's 3' end. VCF-style (leftmost placement, unchanged base first): chr7-154474961-AAAG-A. GRCh37 (hg19) VCF-style: chr7-154172046-AAAG-A.
Other names: c.190AAG[2], p.Lys66del (NM_001039350.3, NM_001364501.2); c.196AAG[2], p.Lys68del (NM_001290252.2, NM_001364502.2, NM_001936.5); c.382AAG[2], p.Lys130del (NM_001290253.2); c.199AAG[2], p.Lys69del (NM_001364497.2, NM_001364498.2, NM_001364499.2 and 1 more transcripts); short protein forms K66del, K68del, K130del, K69del.
Identifiers: ClinVar variation 377205 (VCV000377205.3), dbSNP rs773861201, ClinGen allele CA4583062.

ClinVar aggregate classification (germline): Uncertain significance (1 of 4 stars; one submission).

Submission:

Center for Pediatric Genomic Medicine, Children's Mercy Hospital and Clinics
Classification: Uncertain significance. Last evaluated: 2016-09-23. Review status: criteria provided, single submitter. Criteria: ACMG Guidelines, 2015. Collection method: clinical testing. Allele origin: germline.
ClinVar note: Converted during submission from Uncertain Significance to Uncertain significance.